The following is an entry in ClinVar:

ClinVar aggregate classification (germline): Uncertain significance (1 of 4 stars; one submission).

Conditions:
Developmental and epileptic encephalopathy, 23 (DEE23). Also called: Epileptic encephalopathy, early infantile, 23. Identifiers: Orphanet 411986, MedGen C4014492, MONDO:0014371, OMIM 615859.

Allele frequency attached by ClinVar (database versions not stated): gnomAD exomes below 0.00001; TOPMed below 0.00001; gnomAD 0.00001.
gnomAD v4.1: 3 of 1,613,586 alleles (0.00019%); highest among the groups gnomAD compares: African/African-American, 0.0013%; no homozygotes.

Submission:

Labcorp Genetics (formerly Invitae), Labcorp
Classification: Uncertain significance for Developmental and epileptic encephalopathy, 23. Last evaluated: 2019-06-09. Review status: criteria provided, single submitter. Criteria: Invitae Variant Classification Sherloc (09022015). Collection method: clinical testing. Allele origin: germline.
Comment: In summary, the available evidence is currently insufficient to determine the role of this variant in disease. Therefore, it has been classified as a Variant of Uncertain Significance. Algorithms developed to predict the effect of missense changes on protein structure and function (SIFT, PolyPhen-2, Align-GVGD) all suggest that this variant is likely to be tolerated, but these predictions have not been confirmed by published functional studies and their clinical significance is uncertain. This variant has not been reported in the literature in individuals with DOCK7-related conditions. This variant is not present in population databases (ExAC no frequency). This sequence change replaces phenylalanine with leucine at codon 752 of the DOCK7 protein (p.Phe752Leu). The phenylalanine residue is moderately conserved and there is a small physicochemical difference between phenylalanine and leucine.

NM_001367561.1(DOCK7):c.2256C>G (p.Phe752Leu)

Gene: DOCK7 (dedicator of cytokinesis 7; minus strand). Cytogenetic location: 1p31.3.
Variant type: single nucleotide variant.
Coding change: c.2256C>G on transcript NM_001367561.1 (MANE Select); coding-DNA position 2256, C replaced by G.
Protein change: p.Phe752Leu; replaces phenylalanine 752 with leucine.
Molecular consequence: missense variant.
Genome position (GRCh38, 1-based): chr1:62,559,164, G>C on the plus strand (C>G on the coding strand, the complement: DOCK7 is on the minus strand). VCF-style: chr1-62559164-G-C. GRCh37 (hg19) VCF-style: chr1-63024835-G-C.
Other names: c.2256C>G, p.Phe752Leu (NM_033407.4, NM_001271999.2, NM_001272000.2 and 2 more transcripts); short protein forms F752L.
Identifiers: ClinVar variation 945479 (VCV000945479.9), dbSNP rs937365670, ClinGen allele CA23754644.